The following is an entry in ClinVar:

NM_000238.4(KCNH2):c.2372G>A (p.Arg791Gln)

Gene: KCNH2 (potassium voltage-gated channel subfamily H member 2; minus strand). Cytogenetic location: 7q36.1.
Variant type: single nucleotide variant.
Coding change: c.2372G>A on transcript NM_000238.4 (MANE Select); coding-DNA position 2372, G replaced by A.
Protein change: p.Arg791Gln; replaces arginine 791 with glutamine.
Molecular consequence: missense variant.
Genome position (GRCh38, 1-based): chr7:150,950,194, C>T on the plus strand (G>A on the coding strand, the complement: KCNH2 is on the minus strand). VCF-style: chr7-150950194-C-T. GRCh37 (hg19) VCF-style: chr7-150647282-C-T.
Other names: p.Arg791Gln; c.1352G>A, p.Arg451Gln (NM_001204798.2, NM_172057.3); c.2084G>A, p.Arg695Gln (NM_001406753.1, NM_001406756.1); c.2195G>A, p.Arg732Gln (NM_001406755.1); c.2072G>A, p.Arg691Gln (NM_001406757.1); c.2372G>A, p.Arg791Gln (NM_172056.3); short protein forms R451Q, R791Q, R691Q, R732Q, R695Q.
Identifiers: ClinVar variation 925151 (VCV000925151.20), dbSNP rs770393669, ClinGen allele CA031734.

ClinVar aggregate classification (germline): Uncertain significance. Review status: criteria provided, multiple submitters, no conflicts (2 of 4 stars). 5 submissions from 5 submitters: Uncertain significance (5). Last evaluated 2026-01-14.

Conditions:
Cardiac arrhythmia. Also called: Cardiac rhythm disease; Arrhythmia. Identifiers: MedGen C0003811, MONDO:0007263, HP:0011675.
Long QT syndrome (LQTS). Identifiers: MedGen C0023976, MeSH D008133, MONDO:0002442. Disease mechanism: loss of function. Inheritance: Various modes of inheritance.

Allele frequency attached by ClinVar (database versions not stated): TOPMed below 0.00001; ExAC 0.00001; gnomAD exomes 0.00001.

Submissions (5):

Labcorp Genetics (formerly Invitae), Labcorp
Classification: Uncertain significance for Long QT syndrome. Last evaluated: 2026-01-14. Review status: criteria provided, single submitter. Criteria: Invitae Variant Classification Sherloc (09022015). Collection method: clinical testing. Allele origin: germline.
Comment: This sequence change replaces arginine, which is basic and polar, with glutamine, which is neutral and polar, at codon 791 of the KCNH2 protein (p.Arg791Gln). This variant is present in population databases (rs770393669, gnomAD 0.003%). This variant has not been reported in the literature in individuals affected with KCNH2-related conditions. ClinVar contains an entry for this variant (Variation ID: 925151). An algorithm developed to predict the effect of missense changes on protein structure and function (PolyPhen-2) suggests that this variant is likely to be disruptive. In summary, the available evidence is currently insufficient to determine the role of this variant in disease. Therefore, it has been classified as a Variant of Uncertain Significance.

Mayo Clinic Laboratories, Mayo Clinic
Classification: Uncertain significance. Last evaluated: 2025-02-20. Review status: criteria provided, single submitter. Criteria: ACMG Guidelines, 2015. Collection method: clinical testing. Allele origin: germline. Observed: 1 variant allele.
Comment: PP2

Blueprint Genetics
Classification: Uncertain significance. Last evaluated: 2024-06-10. Review status: criteria provided, single submitter. Criteria: ACMG Guidelines, 2015. Collection method: clinical testing. Allele origin: germline.

Color Diagnostics, LLC DBA Color Health
Classification: Uncertain significance for Cardiac arrhythmia. Last evaluated: 2024-03-07. Review status: criteria provided, single submitter. Criteria: ACMG Guidelines, 2015. Collection method: clinical testing. Allele origin: germline.
Comment: This missense variant replaces arginine with glutamine at codon 791 of the KCNH2 protein. Computational prediction is inconclusive regarding the impact of this variant on protein structure and function (internally defined REVEL score threshold 0.5 < inconclusive < 0.7, PMID: 27666373). To our knowledge, functional studies have not been reported for this variant. This variant has not been reported in individuals affected with KCNH2-related disorders in the literature. This variant has been identified in 2/251010 chromosomes in the general population by the Genome Aggregation Database (gnomAD). The available evidence is insufficient to determine the role of this variant in disease conclusively. Therefore, this variant is classified as a Variant of Uncertain Significance.

All of Us Research Program, National Institutes of Health
Classification: Uncertain significance for Long QT syndrome. Last evaluated: 2024-03-05. Review status: criteria provided, single submitter. Criteria: ACMG Guidelines, 2015. Collection method: clinical testing. Allele origin: germline. Inheritance: Autosomal dominant inheritance. Observed: 1 variant allele, 1 heterozygote.
Comment: This missense variant replaces arginine with glutamine at codon 791 of the KCNH2 protein. Computational prediction tools and conservation analyses are inconclusive regarding the impact of this variant on protein function. Computational splicing tools suggest that this variant may not impact RNA splicing. To our knowledge, functional assays have not been performed for this variant nor has this variant been reported in individuals affected with cardiovascular disorders in the literature. This variant has been identified in 2/251010 chromosomes in the general population by the Genome Aggregation Database (gnomAD). Available evidence is insufficient to determine the role of this variant in disease conclusively. Therefore, this variant is classified as a Variant of Uncertain Significance.

This study involves interpretation of variants in research participants for the purpose of population health screening. Participant phenotype was not available at the time of variant classification. Additional details can be found in publication PMID: 35346344, PMCID: PMC8962531